The following is an entry in ClinVar:

ClinVar aggregate classification (germline): Benign (1 of 4 stars; one submission).

Conditions:
Familial cancer of breast. Also called: hereditary breast carcinoma; BREAST CANCER, FAMILIAL; Hereditary breast cancer. Identifiers: Orphanet 227535, MedGen C0346153, MONDO:0016419, OMIM 114480. Disease mechanism: loss of function.

Submission:

Myriad Genetics, Inc.
Classification: Benign for Familial cancer of breast. Last evaluated: 2024-06-03. Review status: criteria provided, single submitter. Criteria: Myriad Autosomal Dominant, Autosomal Recessive and X-Linked Classification Criteria (2023). Collection method: clinical testing. Allele origin: unknown.
Comment: This variant is considered benign. This variant is a silent/synonymous amino acid change and it is not expected to impact splicing.

NM_000051.4(ATM):c.6159A>G (p.Thr2053=)

Genes: ATM (ATM serine/threonine kinase; plus strand), C11orf65 (chromosome 11 open reading frame 65; minus strand). Cytogenetic location: 11q22.3.
Variant type: single nucleotide variant.
Coding change: c.6159A>G on transcript NM_000051.4 (MANE Select); coding-DNA position 6159, A replaced by G.
Protein change: p.Thr2053=; no amino-acid change (threonine 2053 retained).
Molecular consequence: synonymous variant. On other transcripts: intron variant (2).
Genome position (GRCh38, 1-based): chr11:108,316,074, A>G. VCF-style: chr11-108316074-A-G. GRCh37 (hg19) VCF-style: chr11-108186801-A-G.
Other names: c.6159A>G, p.Thr2053= (NM_001351834.2); c.641-7003T>C (NM_001330368.2); c.*39-7003T>C (NM_001351110.2).
Identifiers: ClinVar variation 3253800 (VCV003253800.1), dbSNP rs2136130328.
Genomic context (GRCh38, chr11:108,316,074, plus strand): 5'-ACGAACATATGAACACGAAGCAATGTGGGGCAAAGCCCTAGTAACATATGACCTCGAAAC[A>G]GCAATCCCCTCATCAACACGCCAGGCAGGAATCATTCAGGTACATTTTTTCCCAGATTTG-3'
Protein context (NP_000042.3, residues 2043-2063): GKALVTYDLE[Thr2053=]AIPSSTRQAG